The following is an entry in ClinVar:

NM_001003800.2(BICD2):c.976G>C (p.Ala326Pro)

Gene: BICD2 (BICD cargo adaptor 2; minus strand). Cytogenetic location: 9q22.31.
Variant type: single nucleotide variant.
Coding change: c.976G>C on transcript NM_001003800.2 (MANE Select); coding-DNA position 976, G replaced by C.
Protein change: p.Ala326Pro; replaces alanine 326 with proline.
Molecular consequence: missense variant.
Genome position (GRCh38, 1-based): chr9:92,720,386, C>G on the plus strand (G>C on the coding strand, the complement: BICD2 is on the minus strand). VCF-style: chr9-92720386-C-G. GRCh37 (hg19) VCF-style: chr9-95482668-C-G.
Other names: c.976G>C, p.Ala326Pro (NM_015250.4); c.976G>C (NM_001003800.1); short protein forms A326P.
Identifiers: ClinVar variation 2983770 (VCV002983770.4), dbSNP rs571839806, ClinGen allele CA5126685.

ClinVar aggregate classification (germline): Uncertain significance. Review status: criteria provided, multiple submitters, no conflicts (2 of 4 stars). 2 submissions from 2 submitters: Uncertain significance (2). Last evaluated 2024-01-22.

Conditions:
Autosomal dominant childhood-onset proximal spinal muscular atrophy with contractures (SMALED2A). Also called: Spinal muscular atrophy, lower extremity-predominant, 2A, autosomal dominant; SPINAL MUSCULAR ATROPHY, LOWER EXTREMITY-PREDOMINANT, 2A, CHILDHOOD ONSET, AUTOSOMAL DOMINANT. Identifiers: Orphanet 363447, Orphanet 363454, MedGen C4747715, MONDO:0014121, OMIM 615290.

Allele frequency attached by ClinVar (database versions not stated): TOPMed below 0.00001.
gnomAD v4.1: 6 of 1,614,044 alleles (0.00037%); highest among the groups gnomAD compares: East Asian, 0.0045%; no homozygotes.

Submissions (2):

GeneDx
Classification: Uncertain significance. Last evaluated: 2024-01-22. Review status: criteria provided, single submitter. Criteria: GeneDx Variant Classification Process June 2021. Collection method: clinical testing. Allele origin: germline. Affected: yes.
Comment: In silico analysis supports that this missense variant does not alter protein structure/function; Has not been previously published as pathogenic or benign to our knowledge

Labcorp Genetics (formerly Invitae), Labcorp
Classification: Uncertain significance for Autosomal dominant childhood-onset proximal spinal muscular atrophy with contractures. Last evaluated: 2024-01-06. Review status: criteria provided, single submitter. Criteria: Invitae Variant Classification Sherloc (09022015). Collection method: clinical testing. Allele origin: germline.
Comment: This sequence change replaces alanine, which is neutral and non-polar, with proline, which is neutral and non-polar, at codon 326 of the BICD2 protein (p.Ala326Pro). This variant is present in population databases (rs571839806, gnomAD 0.006%). This variant has not been reported in the literature in individuals affected with BICD2-related conditions. Advanced modeling of protein sequence and biophysical properties (such as structural, functional, and spatial information, amino acid conservation, physicochemical variation, residue mobility, and thermodynamic stability) performed at Invitae indicates that this missense variant is not expected to disrupt BICD2 protein function with a negative predictive value of 80%. In summary, the available evidence is currently insufficient to determine the role of this variant in disease. Therefore, it has been classified as a Variant of Uncertain Significance.